The following continues an entry in ClinVar:

NM_000059.4(BRCA2):c.658_659del (p.Val220fs)

Gene: BRCA2. ClinVar aggregate classification (germline): Pathogenic. Pathogenic (1).

Submissions 8 to 19 of 73:

Molecular Diagnostics Laboratory, Catalan Institute of Oncology
Classification: Pathogenic for Hereditary cancer-predisposing syndrome. Last evaluated: 2025-08-25. Review status: criteria provided, single submitter. Criteria: ClinGen BRCA1BRCA2 ACMG Specifications BRCA2 V1.0.0. Collection method: clinical testing. Allele origin: germline. Not counted in ClinVar's aggregate classification.
Comment: PVS1, PM5_PTC_Strong c.658_659del, located in exon 8 of the BRCA2 gene, consists in the deletion of 2 nucleotides, causing a translational frameshift with a predicted alternate stop codon (p.(Val220Ilefs*4)). This alteration isexpected to result in loss of function by premature protein truncation and nonsense-mediated mRNA decay (PVS1, PM5_PTC_Strong). This variant is found in 10/262444 alleles at a frequency of 0.0038% in the gnomAD v2.1.1 database, non-cancer dataset. The SpliceAI algorithm predicts no significant impact on splicing. Additional information has not been evaluated for this variant. Based on the currently available evidence, c.658_659del is classified as a pathogenic variant according to ClinGen-BRCA2 Guidelines v.1.

KCCC/NGS Laboratory, Kuwait Cancer Control Center
Classification: Pathogenic for Breast-ovarian cancer, familial, susceptibility to, 2. Last evaluated: 2025-07-07. Review status: criteria provided, single submitter. Criteria: ACMG Guidelines, 2015. Collection method: clinical testing. Allele origin: germline. Inheritance: Autosomal dominant inheritance. Affected: yes. Observed: 1 heterozygote. Not counted in ClinVar's aggregate classification.

GeneKor MSA
Classification: Pathogenic for Hereditary breast ovarian cancer syndrome. Last evaluated: 2025-06-17. Review status: criteria provided, single submitter. Criteria: ACMG Guidelines, 2015. Collection method: clinical testing. Allele origin: germline. Affected: yes. Not counted in ClinVar's aggregate classification.
Comment: This variant is a deletion of 2 nucleotides in exon 8 of the BRCA2 mRNA, c.(658_659delGT), causing a frameshift after codon 220 and the creation of a premature translational stop signal 4 amino acid residues later p.(Val220Ilefs*4). This is expected to result in an absent or disrupted protein product. Truncating variants in the BRCA2 gene are known to be pathogenic (PMID:20104584). This variant is present in population databases (rs80359604). This sequence change, also known as 886delGT, has been reported in several individuals and families affected with breast and/or ovarian cancer (PMID:9667259, 22923021, 23767878, 24504028). ClinVar contains entries for this variant where is listed as pathogenic (VCV000009342.108). Based on the classification criteria set by the ACMG and AMP (PMID:25741868), this variant has been classified as pathogenic.

Variantyx, Inc.
Classification: Pathogenic for Breast-ovarian cancer, familial, susceptibility to, 2. Last evaluated: 2025-05-29. Review status: criteria provided, single submitter. Criteria: Variantyx Assertion Criteria 2022. Collection method: clinical testing. Allele origin: germline. Inheritance: Autosomal dominant inheritance. Affected: yes. Not counted in ClinVar's aggregate classification.
Comment: This is a frameshift variant in the BRCA2 gene (OMIM: 600185). Pathogenic variants in this gene have been associated with autosomal dominant susceptibility to familial breast-ovarian cancer 2. This variant introduces a premature termination codon in exon 8 out of 27and is expected to result in loss of function, which is a known disease mechanism for BRCA2 in this disorder (PMID: 20301425) (PVS1). This variant has been reported in at least 8 unrelated affected individuals (PMID: 9667259, 23767878, 22923021, 27153395) (PS4_Moderate). Other reputable laboratories have reported this variant as pathogenic or likely pathogenic, and this classification has been validated by an expert panel in ClinVar (PP5). The maximum allele frequency in non-founder control populations is 0.0067%. Based on the current evidence, this variant is classified as pathogenic for autosomal dominant susceptibility to familial breast-ovarian cancer 2.

Hema, HEMA – Genetic and Molecular Diagnostic Laboratory
Classification: Pathogenic for BRCA2-related cancer predisposition. Last evaluated: 2025-05-16. Review status: criteria provided, single submitter. Criteria: HEMA Variant Classification Assertion Criteria. Collection method: clinical testing. Allele origin: germline. Not counted in ClinVar's aggregate classification.
Comment: It is a two-nucleotide deletion that results in a frameshift in BRCA2. PVS1: Null variant (frameshift variant) in a gene for which loss of function is a known disease mechanism. It is a frameshift variant that introduces a premature stop codon in exon 8/27, which is predicted to lead to nonsense-mediated decay (NMD) of the transcript. PS3: The variant affects the function of BRCA2 (PMID: 33293522). PM3_Strong: The variant has been reported in the heterozygous state in combination with pathogenic variants in BRCA2 in seven individuals with Fanconi anemia (PMID: 14559878, 14670928, 15516848, 15689453, 19530235, 25381700, 26064523, 26657402). PM5_Strong (PTC): Variant that introduces a stop codon in exon 8 of BRCA2.

Department of Clinical Genetics, Copenhagen University Hospital, Rigshospitalet
Classification: Pathogenic for Familial cancer of breast. Last evaluated: 2025-05-13. Review status: criteria provided, single submitter. Criteria: ACMG Guidelines, 2015. Collection method: clinical testing. Allele origin: germline. Not counted in ClinVar's aggregate classification.
Comment: The following ACMG criteria has been used: PVS1; PM5_Strong (PTC); PM3_Strong

Unidad de Genética Molecular HGU Elche, Hospital General Universitario de Elche
Classification: Pathogenic for Hereditary cancer-predisposing syndrome. Last evaluated: 2025-05-05. Review status: criteria provided, single submitter. Criteria: ACMG Guidelines, 2015. Collection method: clinical testing. Allele origin: germline. Affected: yes. Not counted in ClinVar's aggregate classification.
Comment: PVS1 very strong; PP5 very strong; PM2 supporting

Institute of Human Genetics, University of Leipzig Medical Center
Classification: Pathogenic for Familial cancer of breast. Last evaluated: 2025-04-09. Review status: criteria provided, single submitter. Criteria: ACMG Guidelines, 2015. Collection method: clinical testing. Allele origin: maternal. Inheritance: Autosomal dominant inheritance. Affected: yes. Not counted in ClinVar's aggregate classification.
Comment: Criteria applied: PVS1,PS3,PM3_STR,PM5_STR,BS1_SUP

Hereditary Cancer Laboratory, Hospital Universitario 12 de Octubre
Classification: Pathogenic for Hereditary cancer-predisposing syndrome. Last evaluated: 2025-04-07. Review status: criteria provided, single submitter. Criteria: ACMG Guidelines, 2015. Collection method: clinical testing. Allele origin: germline. Not counted in ClinVar's aggregate classification.
Comment: PVS1+PM2

Dasa
Classification: Pathogenic for Breast-ovarian cancer, familial, susceptibility to, 2. Last evaluated: 2025-04-04. Review status: criteria provided, single submitter. Criteria: DASA Assertion Criteria. Collection method: clinical testing. Allele origin: germline. Not counted in ClinVar's aggregate classification.
Comment: NM_000059.4(BRCA2):c.658_659del (p.Val220IlefsTer4) is a frameshift variant in BRCA2 predicted to alter the reading frame and introduce a premature termination codon and is predicted to result in an absent or altered protein product. Loss of function is an established disease mechanism for BRCA2 (PMID: 16199546; PMID: 17063271; PMID: 25632310). The affected residue or protein region has prior evidence supporting clinical relevance. Functional evidence supports an impact on the gene or gene product (PMID: 33293522; PMID: 39488595; PMID: 37895014; PMID: 34567246; PMID: 32438681). Published studies describe this variant in association with Breast-ovarian cancer, familial, susceptibility to, 2 (PMID: 33293522; PMID: 39488595; PMID: 37895014; PMID: 34567246; PMID: 32438681). Also, this variant is rare in population databases. Based on the currently available evidence, this variant is classified as pathogenic.

Molecular Pathology, Peter Maccallum Cancer Centre
Classification: Pathogenic for Breast-ovarian cancer, familial, susceptibility to, 2. Last evaluated: 2025-03-21. Review status: criteria provided, single submitter. Criteria: ACMG Guidelines, 2015. Collection method: clinical testing. Allele origin: germline. Inheritance: Autosomal dominant inheritance. Not counted in ClinVar's aggregate classification.

ARUP Laboratories, Molecular Genetics and Genomics, ARUP Laboratories
Classification: Pathogenic. Last evaluated: 2025-03-03. Review status: criteria provided, single submitter. Criteria: ARUP Molecular Germline Variant Investigation Process 2024. Collection method: clinical testing. Allele origin: germline. Not counted in ClinVar's aggregate classification.
Comment: The BRCA2 c.658_659del; p.Val220IlefsTer4 variant (rs80359604, ClinVar Variation ID 9342), also known as 886delGT, is reported in the literature in multiple individuals affected with hereditary breast and ovarian cancer syndrome (Cunningham 2014, de Juan 2015, Frank 1998, Heramb 2018), and in patients with Fanconi anemia when found in-trans with another pathogenic variant (Hirsch 2004, Svojgr 2016). This variant is found in the general population with an overall allele frequency of 0.005% (13/276414 alleles) in the Genome Aggregation Database (v2.1.1). This variant causes a frameshift by deleting 2 nucleotides, so it is predicted to result in a truncated protein or mRNA subject to nonsense-mediated decay. Based on available information, the p.Val220IlefsTer4 variant is considered to be pathogenic. References: Cunningham J et al. Clinical characteristics of ovarian cancer classified by BRCA1, BRCA2, and RAD51C status. Sci Rep. 2014 4:4026. PMID: 24504028. de Juan I et al. BRCA1 and BRCA2 mutations in males with familial breast and ovarian cancer syndrome. Results of a Spanish multicenter study. Fam Cancer. 2015 14(4):505-13. PMID: 26026974. Frank T et al. Sequence analysis of BRCA1 and BRCA2: correlation of mutations with family history and ovarian cancer risk. J Clin Oncol. 1998 16(7):2417-25. PMID: 9667259. Godinez Paredes JM et al. Germline pathogenic variants associated with triple-negative breast cancer in US Hispanic and Guatemalan women using hospital and community-based recruitment strategies. Breast Cancer Res Treat. 2024 Jun. PMID: 38520597. Heramb C et al. BRCA1 and BRCA2 mutation spectrum - an update on mutation distribution in a large cancer genetics clinic in Norway. Hered Cancer Clin Pract. 2018 Jan 10;16:3. PMID: 29339979. Hirsch B et al. Association of biallelic BRCA2/FANCD1 mutations with spontaneous chromosomal instability and solid tumors of childhood. Blood. 2004 103(7):2554-9. PMID: 14670928. Saito A et al. A case of ovarian carcinosarcoma with a germline pathogenic variant of BRCA2 involving a perforated appendix with an abscess. J Obstet Gynaecol Res. 2023 Oct. PMID: 37461372. Svojgr K et al. Fanconi anemia with biallelic FANCD1/BRCA2 mutations - Case report of a family with three affected children. Eur J Med Genet. 2016 59(3):152-7. PMID: 26657402.